The following is an entry in ClinVar:

ClinVar aggregate classification (germline): Uncertain significance (1 of 4 stars; one submission).

Allele frequency attached by ClinVar (database versions not stated): gnomAD 0.00001.
gnomAD v4.1: 1 of 1,614,040 alleles (0.000062%); highest among the groups gnomAD compares: African/African-American, 0.0013%; no homozygotes.

Submission:

Labcorp Genetics (formerly Invitae), Labcorp
Classification: Uncertain significance. Last evaluated: 2023-01-18. Review status: criteria provided, single submitter. Criteria: Invitae Variant Classification Sherloc (09022015). Collection method: clinical testing. Allele origin: germline.
Comment: In summary, the available evidence is currently insufficient to determine the role of this variant in disease. Therefore, it has been classified as a Variant of Uncertain Significance. Algorithms developed to predict the effect of missense changes on protein structure and function (SIFT, PolyPhen-2, Align-GVGD) all suggest that this variant is likely to be disruptive. This variant has not been reported in the literature in individuals affected with FAT2-related conditions. This variant is not present in population databases (gnomAD no frequency). This sequence change replaces isoleucine, which is neutral and non-polar, with asparagine, which is neutral and polar, at codon 1534 of the FAT2 protein (p.Ile1534Asn).

NM_001447.3(FAT2):c.4601T>A (p.Ile1534Asn)

Genes: FAT2 (FAT atypical cadherin 2; minus strand), SLC36A1 (solute carrier family 36 member 1; plus strand). Cytogenetic location: 5q33.1.
Variant type: single nucleotide variant.
Coding change: c.4601T>A on transcript NM_001447.3 (MANE Select); coding-DNA position 4601, T replaced by A.
Protein change: p.Ile1534Asn; replaces isoleucine 1534 with asparagine.
Molecular consequence: missense variant.
Genome position (GRCh38, 1-based): chr5:151,549,483, A>T on the plus strand (T>A on the coding strand, the complement: FAT2 is on the minus strand). VCF-style: chr5-151549483-A-T. GRCh37 (hg19) VCF-style: chr5-150929044-A-T.
Other names: short protein forms I1534N.
Identifiers: ClinVar variation 2828863 (VCV002828863.3), dbSNP rs1034213539, ClinGen allele CA361845799.